The following is an entry in ClinVar:

ClinVar aggregate classification (germline): Uncertain significance (1 of 4 stars; one submission).

Conditions:
Severe combined immunodeficiency due to DNA-PKcs deficiency. Also called: IMMUNODEFICIENCY 26 WITH NEUROLOGIC ABNORMALITIES; Immunodeficiency 26 with or without neurologic abnormalities. Identifiers: Orphanet 317425, MedGen C4014833, MONDO:0014423, OMIM 615966.

Submission:

Labcorp Genetics (formerly Invitae), Labcorp
Classification: Uncertain significance for Severe combined immunodeficiency due to DNA-PKcs deficiency. Last evaluated: 2020-02-17. Review status: criteria provided, single submitter. Criteria: Invitae Variant Classification Sherloc (09022015). Collection method: clinical testing. Allele origin: germline.
Comment: Algorithms developed to predict the effect of missense changes on protein structure and function output the following: SIFT: "Tolerated"; PolyPhen-2: "Benign"; Align-GVGD: "Class C0". The glutamine amino acid residue is found in multiple mammalian species, suggesting that this missense change does not adversely affect protein function. These predictions have not been confirmed by published functional studies and their clinical significance is uncertain. In summary, the available evidence is currently insufficient to determine the role of this variant in disease. Therefore, it has been classified as a Variant of Uncertain Significance. This variant has not been reported in the literature in individuals with PRKDC-related conditions. This sequence change replaces lysine with glutamine at codon 4036 of the PRKDC protein (p.Lys4036Gln). The lysine residue is weakly conserved and there is a small physicochemical difference between lysine and glutamine. This variant is not present in population databases (ExAC no frequency).

NM_006904.7(PRKDC):c.12106A>C (p.Lys4036Gln)

Gene: PRKDC (protein kinase, DNA-activated, catalytic subunit; minus strand). Cytogenetic location: 8q11.21.
Variant type: single nucleotide variant.
Coding change: c.12106A>C on transcript NM_006904.7 (MANE Select); coding-DNA position 12106, A replaced by C.
Protein change: p.Lys4036Gln; replaces lysine 4036 with glutamine.
Molecular consequence: missense variant.
Genome position (GRCh38, 1-based): chr8:47,776,920, T>G on the plus strand (A>C on the coding strand, the complement: PRKDC is on the minus strand). VCF-style: chr8-47776920-T-G. GRCh37 (hg19) VCF-style: chr8-48689481-T-G.
Other names: c.12013A>C, p.Lys4005Gln (NM_001081640.2); short protein forms K4005Q, K4036Q.
Identifiers: ClinVar variation 961866 (VCV000961866.5), dbSNP rs2086619286, ClinGen allele CA371127090.
Genomic context (GRCh38, chr8:47,776,920, plus strand): 5'-GATTGGCACCTGCTAACTTTCTCTTAGCGTAACATATTTTCTGTCGGGGGTACCAATTTT[T>G]TTCAGCAACATTTATTTCTTGAATCCATGACCCTCCTTTTTTCAGCATTTTCTGTTCAAA-3'
Protein context (NP_008835.5, residues 4026-4046): SWIQEINVAE[Lys4036Gln]NWYPRQKICY